The following is an entry in ClinVar:

NM_000286.3(PEX12):c.-5A>G

Gene: PEX12 (peroxisomal biogenesis factor 12; minus strand). Cytogenetic location: 17q12.
Variant type: single nucleotide variant.
Coding change: c.-5A>G on transcript NM_000286.3 (MANE Select); 5 bases upstream of the start codon, A replaced by G.
Molecular consequence: 5 prime UTR variant.
Genome position (GRCh38, 1-based): chr17:35,578,026, T>C on the plus strand (A>G on the coding strand, the complement: PEX12 is on the minus strand). VCF-style: chr17-35578026-T-C. GRCh37 (hg19) VCF-style: chr17-33905045-T-C.
Identifiers: ClinVar variation 3052156 (VCV003052156.2), dbSNP rs370868594, ClinGen allele CA8505007.

ClinVar aggregate classification (germline): Likely benign (0 of 4 stars; one submission).

Conditions:
PEX12-related disorder. Also called: PEX12-related disorders; PEX12-related condition.

Allele frequency attached by ClinVar (database versions not stated): gnomAD exomes 0.00001; ExAC 0.00002; gnomAD 0.00009; TOPMed 0.00009; ESP Exome Variant Server 0.00015.

Submission:

PreventionGenetics, part of Exact Sciences
Classification: Likely benign for PEX12-related condition. Last evaluated: 2020-02-20. Review status: no assertion criteria provided. Collection method: clinical testing. Allele origin: germline.
Comment: This variant is classified as likely benign based on ACMG/AMP sequence variant interpretation guidelines (Richards et al. 2015 PMID: 25741868, with internal and published modifications).